The following is an entry in ClinVar:

ClinVar aggregate classification (germline): Uncertain significance. Review status: criteria provided, multiple submitters, no conflicts (2 of 4 stars). 2 submissions from 2 submitters: Uncertain significance (2). Last evaluated 2026-03-31.

Conditions:
Inborn genetic diseases. Identifiers: MedGen C0950123, MeSH D030342.

Submissions (2):

Ambry Genetics
Classification: Uncertain significance for Inborn genetic diseases. Last evaluated: 2026-03-31. Review status: criteria provided, single submitter. Criteria: Ambry Variant Classification Scheme 2023. Collection method: clinical testing. Allele origin: germline.

Labcorp Genetics (formerly Invitae), Labcorp
Classification: Uncertain significance. Last evaluated: 2023-07-25. Review status: criteria provided, single submitter. Criteria: Invitae Variant Classification Sherloc (09022015). Collection method: clinical testing. Allele origin: germline.
Comment: In summary, the available evidence is currently insufficient to determine the role of this variant in disease. Therefore, it has been classified as a Variant of Uncertain Significance. Advanced modeling of protein sequence and biophysical properties (such as structural, functional, and spatial information, amino acid conservation, physicochemical variation, residue mobility, and thermodynamic stability) performed at Invitae indicates that this missense variant is expected to disrupt PDYN protein function. This variant has not been reported in the literature in individuals affected with PDYN-related conditions. This variant is not present in population databases (gnomAD no frequency). This sequence change replaces arginine, which is basic and polar, with serine, which is neutral and polar, at codon 180 of the PDYN protein (p.Arg180Ser).

NM_024411.5(PDYN):c.538C>A (p.Arg180Ser)

Genes: PDYN (prodynorphin; minus strand), PDYN-AS1 (PDYN antisense RNA 1; plus strand). Cytogenetic location: 20p13.
Variant type: single nucleotide variant.
Coding change: c.538C>A on transcript NM_024411.5 (MANE Select); coding-DNA position 538, C replaced by A.
Protein change: p.Arg180Ser; replaces arginine 180 with serine.
Molecular consequence: missense variant.
Genome position (GRCh38, 1-based): chr20:1,980,550, G>T on the plus strand (C>A on the coding strand, the complement: PDYN is on the minus strand). VCF-style: chr20-1980550-G-T. GRCh37 (hg19) VCF-style: chr20-1961196-G-T.
Other names: c.538C>A, p.Arg180Ser (NM_001190892.1, NM_001190898.3, NM_001190899.2 and 1 more transcripts); c.538C>A (NM_024411.4); short protein forms R180S.
Identifiers: ClinVar variation 2776765 (VCV002776765.4), dbSNP rs370283678, ClinGen allele CA408002929.